The following is an entry in ClinVar:

NM_001127222.2(CACNA1A):c.885C>G (p.Asn295Lys)

Gene: CACNA1A (calcium voltage-gated channel subunit alpha1 A; minus strand). Cytogenetic location: 19p13.13.
Variant type: single nucleotide variant.
Coding change: c.885C>G on transcript NM_001127222.2 (MANE Select); coding-DNA position 885, C replaced by G.
Protein change: p.Asn295Lys; replaces asparagine 295 with lysine.
Molecular consequence: missense variant.
Genome position (GRCh38, 1-based): chr19:13,359,699, G>C on the plus strand (C>G on the coding strand, the complement: CACNA1A is on the minus strand). VCF-style: chr19-13359699-G-C. GRCh37 (hg19) VCF-style: chr19-13470513-G-C.
Other names: c.885C>G, p.Asn295Lys (NM_000068.4, NM_001127221.2, NM_001174080.2 and 1 more transcripts); short protein forms N295K.
Identifiers: ClinVar variation 3364378 (VCV003364378.1).

ClinVar aggregate classification (germline): Uncertain significance (1 of 4 stars; one submission).

Submission:

GeneDx
Classification: Uncertain significance. Last evaluated: 2023-11-15. Review status: criteria provided, single submitter. Criteria: GeneDx Variant Classification Process June 2021. Collection method: clinical testing. Allele origin: germline. Affected: yes.
Comment: Not observed at significant frequency in large population cohorts (gnomAD); In silico analysis supports that this missense variant has a deleterious effect on protein structure/function; Has not been previously published as pathogenic or benign to our knowledge